The following is an entry in ClinVar:

NM_001035.3(RYR2):c.2275T>A (p.Leu759Ile)

Gene: RYR2 (ryanodine receptor 2; plus strand). Cytogenetic location: 1q43.
Variant type: single nucleotide variant.
Coding change: c.2275T>A on transcript NM_001035.3 (MANE Select); coding-DNA position 2275, T replaced by A.
Protein change: p.Leu759Ile; replaces leucine 759 with isoleucine.
Molecular consequence: missense variant.
Genome position (GRCh38, 1-based): chr1:237,500,782, T>A. VCF-style: chr1-237500782-T-A. GRCh37 (hg19) VCF-style: chr1-237664082-T-A.
Other names: short protein forms L759I.
Identifiers: ClinVar variation 923726 (VCV000923726.14), dbSNP rs768063536, ClinGen allele CA086003.

ClinVar aggregate classification (germline): Conflicting classifications of pathogenicity. Review status: criteria provided, conflicting classifications (1 of 4 stars). 3 submissions from 3 submitters: Uncertain significance (2); Likely benign (1). Last evaluated 2025-09-24.

Conditions:
Catecholaminergic polymorphic ventricular tachycardia (CVPT). Also called: Catecholamine-induced polymorphic ventricular tachycardia. Identifiers: Orphanet 3286, MedGen C5574922, MONDO:0017990.
Cardiomyopathy (CMYO). Also called: Cardiomyopathies. Identifiers: Orphanet 167848, MedGen C0878544, MONDO:0004994, HP:0001638. Inheritance: Various modes of inheritance.
Catecholaminergic polymorphic ventricular tachycardia 1. Also called: VENTRICULAR TACHYCARDIA, CATECHOLAMINERGIC POLYMORPHIC, 1, WITH OR WITHOUT ATRIAL DYSFUNCTION AND/OR DILATED CARDIOMYOPATHY; RYR2-Related Catecholaminergic Polymorphic Ventricular Tachycardia; VENTRICULAR TACHYCARDIA, STRESS-INDUCED POLYMORPHIC 1. Identifiers: Orphanet 3286, MedGen C1631597, MONDO:0011484, OMIM 604772.

Allele frequency attached by ClinVar (database versions not stated): gnomAD 0.00001; gnomAD exomes 0.00001 and 0.00004; TOPMed 0.00002; ExAC 0.00004.
gnomAD v4.1: 4 of 1,613,904 alleles (0.00025%); highest among the groups gnomAD compares: East Asian, 0.0089%; no homozygotes.

Submissions (3):

Labcorp Genetics (formerly Invitae), Labcorp
Classification: Likely benign for Catecholaminergic polymorphic ventricular tachycardia 1. Last evaluated: 2025-09-24. Review status: criteria provided, single submitter. Criteria: Invitae Variant Classification Sherloc (09022015). Collection method: clinical testing. Allele origin: germline.

Color Diagnostics, LLC DBA Color Health
Classification: Uncertain significance for Cardiomyopathy. Last evaluated: 2024-03-06. Review status: criteria provided, single submitter. Criteria: ACMG Guidelines, 2015. Collection method: clinical testing. Allele origin: germline.
Comment: This missense variant replaces leucine with isoleucine at codon 759 of the RYR2 protein. Computational prediction is inconclusive regarding the impact of this variant on protein structure and function (internally defined REVEL score threshold 0.5 < inconclusive < 0.7, PMID: 27666373). To our knowledge, functional studies have not been reported for this variant. This variant has not been reported in individuals affected with RYR2-related disorders in the literature. This variant has been identified in 11/280652 chromosomes in the general population by the Genome Aggregation Database (gnomAD). The available evidence is insufficient to determine the role of this variant in disease conclusively. Therefore, this variant is classified as a Variant of Uncertain Significance.

All of Us Research Program, National Institutes of Health
Classification: Uncertain significance for Catecholaminergic polymorphic ventricular tachycardia. Last evaluated: 2023-10-27. Review status: criteria provided, single submitter. Criteria: ACMG Guidelines, 2015. Collection method: clinical testing. Allele origin: germline. Inheritance: Autosomal dominant inheritance. Observed: 2 variant alleles, 2 heterozygotes.
Comment: This missense variant replaces leucine with isoleucine at codon 759 of the RYR2 protein. Computational prediction tools and conservation analyses are inconclusive regarding the impact of this variant on protein function. Computational splicing tools suggest that this variant may not impact RNA splicing. To our knowledge, functional assays have not been performed for this variant nor has this variant been reported in individuals affected with cardiovascular disorders in the literature. This variant has been identified in 11/280652 chromosomes in the general population by the Genome Aggregation Database (gnomAD). Available evidence is insufficient to determine the role of this variant in disease conclusively. Therefore, this variant is classified as a Variant of Uncertain Significance.

This study involves interpretation of variants in research participants for the purpose of population health screening. Participant phenotype was not available at the time of variant classification. Additional details can be found in publication PMID: 35346344, PMCID: PMC8962531